The following is an entry in ClinVar:

NM_004897.5(MINPP1):c.1097_1098del (p.Leu366fs)

Genes: MINPP1 (multiple inositol-polyphosphate phosphatase 1; plus strand), LOC126860990 (CDK7 strongly-dependent group 2 enhancer GRCh37_chr10:89311461-89312660; plus strand). Cytogenetic location: 10q23.2.
Variant type: Deletion.
Coding change: c.1097_1098del on transcript NM_004897.5 (MANE Select); coding-DNA positions 1097 to 1098, 2 bases deleted (TC; older notation c.1097_1098delTC).
Protein change: p.Leu366fs; shifts the reading frame from leucine 366.
Molecular consequence: frameshift variant.
Genome position (GRCh38, 1-based): chr10:87,552,111-87,552,112, TC deleted; deleting any 2 consecutive bases within chr10:87,552,110-87,552,112 gives the same sequence; the c. name uses the placement nearest the transcript's 3' end. VCF-style (leftmost placement, unchanged base first): chr10-87552109-CCT-C. GRCh37 (hg19) VCF-style: chr10-89311866-CCT-C.
Other names: c.865_866del, p.Ser289fs (NM_001178117.2); c.494_495del, p.Leu165fs (NM_001178118.2); short protein forms L165fs, L366fs, S289fs.
Identifiers: ClinVar variation 3775954 (VCV003775954.1).

ClinVar aggregate classification (germline): Likely pathogenic (1 of 4 stars; one submission).

Conditions:
Pontocerebellar hypoplasia, type 16. Identifiers: MedGen C5561987, MONDO:0030438, OMIM 619527.

Submission:

3billion
Classification: Likely pathogenic for Pontocerebellar hypoplasia, type 16. Last evaluated: 2023-08-03. Review status: criteria provided, single submitter. Criteria: ACMG Guidelines, 2015. Collection method: clinical testing. Allele origin: germline. Affected: yes.
Comment: The variant is observed at an extremely low frequency in the gnomAD v2.1.1 dataset (total allele frequency: 0.000%). Predicted Consequence/Location: Frameshift: predicted to result in a loss or disruption of normal protein function through protein truncation. Multiple pathogenic variants are reported in the predicted truncated region. Therefore, this variant is classified as Likely pathogenic according to the recommendation of ACMG/AMP guideline.